The following is an entry in ClinVar:

ClinVar aggregate classification (germline): Conflicting classifications of pathogenicity. Review status: criteria provided, conflicting classifications (1 of 4 stars). 5 submissions from 5 submitters: Pathogenic (2); Likely pathogenic (1); Uncertain significance (2). Last evaluated 2026-05-22.

Conditions:
Sphingomyelin/cholesterol lipidosis. Also called: Niemann-Pick disease. Identifiers: MedGen C0028064, MONDO:0001982.
Acid sphingomyelinase deficiency. Identifiers: Orphanet 618899, MedGen C5243927, MONDO:0100464.
Niemann-Pick disease, type B. Also called: Chronic Visceral ASMD (Niemann-Pick Disease Type B; NPD-B). Identifiers: Orphanet 77293, MedGen C0268243, MONDO:0011871, OMIM 607616. Disease mechanism: loss of function.
Niemann-Pick disease, type A. Also called: Infantile Neurovisceral ASMD (Niemann-Pick Disease Type A; NPD-A); SPHINGOMYELIN LIPIDOSIS; SPHINGOMYELINASE DEFICIENCY. Identifiers: Orphanet 77292, MedGen C0268242, MONDO:0009756, OMIM 257200. Disease mechanism: loss of function.

Allele frequency attached by ClinVar (database versions not stated): gnomAD exomes 0.00001 and 0.00006; gnomAD 0.00006; TOPMed 0.00007; ExAC 0.00009.
gnomAD v4.1: 26 of 1,570,668 alleles (0.0017%); highest among the groups gnomAD compares: African/African-American, 0.019%; no homozygotes.

Submissions (5):

Myriad Genetics, Inc.
Classification: Uncertain significance for Acid sphingomyelinase deficiency. Last evaluated: 2026-05-22. Review status: criteria provided, single submitter. Criteria: Myriad Autosomal Dominant, Autosomal Recessive and X-Linked Classification Criteria (2023). Collection method: clinical testing. Allele origin: unknown.
Comment: NM_000543.4(SMPD1):c.551C>T(P184L) is a missense variant classified as a variant of uncertain significance in the context of Niemann-Pick disease, SMPD1-related. P184L has not been observed in cases with relevant disease. Relevant functional assessments of this variant are not available in the literature. P184L has been observed in referenced population frequency databases. In summary, there is insufficient evidence to classify NM_000543.4(SMPD1):c.551C>T(P184L) as pathogenic or benign. Please note: this variant was assessed in the context of healthy population screening.

Labcorp Genetics (formerly Invitae), Labcorp
Classification: Pathogenic for Niemann-Pick disease, type B; Niemann-Pick disease, type A. Last evaluated: 2025-10-17. Review status: criteria provided, single submitter. Criteria: Invitae Variant Classification Sherloc (09022015). Collection method: clinical testing. Allele origin: germline.
Comment: This sequence change replaces proline, which is neutral and non-polar, with leucine, which is neutral and non-polar, at codon 184 of the SMPD1 protein (p.Pro184Leu). This variant is present in population databases (rs760203204, gnomAD 0.03%). This missense change has been observed in individuals with SMPD1-related conditions (PMID: 16642440, 17011332). It has also been observed to segregate with disease in related individuals. ClinVar contains an entry for this variant (Variation ID: 502573). Invitae Evidence Modeling of protein sequence and biophysical properties (such as structural, functional, and spatial information, amino acid conservation, physicochemical variation, residue mobility, and thermodynamic stability) has been performed for this missense variant. However, the output from this modeling did not meet the statistical confidence thresholds required to predict the impact of this variant on SMPD1 protein function. Experimental studies have shown that this missense change affects SMPD1 function (PMID: 16642440). For these reasons, this variant has been classified as Pathogenic.

Women's Health and Genetics/Laboratory Corporation of America, LabCorp
Classification: Pathogenic for Sphingomyelin/cholesterol lipidosis. Last evaluated: 2025-09-08. Review status: criteria provided, single submitter. Criteria: LabCorp Variant Classification Summary - May 2015. Collection method: clinical testing. Allele origin: germline.
Comment: Variant summary: SMPD1 c.551C>T (p.Pro184Leu) results in a non-conservative amino acid change in the encoded protein sequence. Algorithms developed to predict the effect of missense changes on protein structure and function all suggest that this variant is likely to be disruptive. The variant allele was found at a frequency of 5.6e-05 in 178370 control chromosomes. This frequency is not significantly higher than estimated for disease-causing variants in SMPD1, allowing no conclusion about variant significance. c.551C>T has been observed in multiple individuals affected with Niemann-Pick Disease. These data indicate that the variant is very likely to be associated with disease. The following publications have been ascertained in the context of this evaluation (PMID: 16642440, 17011332). ClinVar contains an entry for this variant (Variation ID: 502573). Based on the evidence outlined above, the variant was classified as pathogenic.

Fulgent Genetics
Classification: Likely pathogenic for Niemann-Pick disease, type A; Niemann-Pick disease, type B. Last evaluated: 2024-03-19. Review status: criteria provided, single submitter. Criteria: ACMG Guidelines, 2015. Collection method: clinical testing. Allele origin: germline.

Eurofins Ntd Llc (ga)
Classification: Uncertain significance. Last evaluated: 2017-06-23. Review status: criteria provided, single submitter. Criteria: EGL Classification Definitions 2015. Collection method: clinical testing. Allele origin: germline. Observed: 1 variant allele, 1 heterozygote.

Literature cited by the submitters: PubMed 16642440 (cited by Labcorp Genetics (formerly Invitae), Labcorp and Women's Health and Genetics/Laboratory Corporation of America, LabCorp); PubMed 17011332 (cited by Labcorp Genetics (formerly Invitae), Labcorp and Women's Health and Genetics/Laboratory Corporation of America, LabCorp).

NM_000543.5(SMPD1):c.551C>T (p.Pro184Leu)

Gene: SMPD1 (sphingomyelin phosphodiesterase 1; plus strand). Cytogenetic location: 11p15.4.
Variant type: single nucleotide variant.
Coding change: c.551C>T on transcript NM_000543.5 (MANE Select); coding-DNA position 551, C replaced by T.
Protein change: p.Pro184Leu; replaces proline 184 with leucine.
Molecular consequence: missense variant. On other transcripts: 5 prime UTR variant (1), non-coding transcript variant (1).
Genome position (GRCh38, 1-based): chr11:6,391,616, C>T. VCF-style: chr11-6391616-C-T. GRCh37 (hg19) VCF-style: chr11-6412846-C-T.
Other names: c.548C>T, p.Pro183Leu (NM_001007593.3); c.551C>T, p.Pro184Leu (NM_001318087.2, NM_001365135.2); c.-411C>T (NM_001318088.2); short protein forms P184L, P183L.
Identifiers: ClinVar variation 502573 (VCV000502573.15), dbSNP rs760203204, ClinGen allele CA5852623.
Genomic context (GRCh38, chr11:6,391,616, plus strand): 5'-GCTCCACCTGTGGGCACTGGGACATTTTCTCATCTTGGAACATCTCTTTGCCTACTGTGC[C>T]GAAGCCGCCCCCCAAACCCCCTAGCCCCCCAGCCCCAGGTGCCCCTGTCAGCCGCATCCT-3'
Protein context (NP_000534.3, residues 174-194): SSWNISLPTV[Pro184Leu]KPPPKPPSPP